The following is an entry in ClinVar:

ClinVar aggregate classification (germline): Uncertain significance (1 of 4 stars; one submission).

Conditions:
FANCA-related disorder. Also called: FANCA-related condition.

gnomAD v4.1: 3 of 1,614,100 alleles (0.00019%); highest among the groups gnomAD compares: Non-Finnish European, 0.00017%; no homozygotes.

Submission:

PreventionGenetics, part of Exact Sciences
Classification: Uncertain significance for FANCA-related condition. Last evaluated: 2023-04-27. Review status: criteria provided, single submitter. Criteria: ACMG Guidelines, 2015. Collection method: clinical testing. Allele origin: germline.
Comment: The FANCA c.1547C>G variant is predicted to result in the amino acid substitution p.Thr516Arg. This variant was reported in an individual with hippocampal and cognitive dysfunction (Yang et al 2017. PubMed ID: 28195569, reported as 89849434 in Table S2). This variant has not been reported in a large population database, indicating this variant is rare. At this time, the clinical significance of this variant is uncertain due to the absence of conclusive functional and genetic evidence.

NM_000135.4(FANCA):c.1547C>G (p.Thr516Arg)

Gene: FANCA (FA complementation group A; minus strand). Cytogenetic location: 16q24.3.
Variant type: single nucleotide variant.
Coding change: c.1547C>G on transcript NM_000135.4 (MANE Select); coding-DNA position 1547, C replaced by G.
Protein change: p.Thr516Arg; replaces threonine 516 with arginine.
Molecular consequence: missense variant.
Genome position (GRCh38, 1-based): chr16:89,783,026, G>C on the plus strand (C>G on the coding strand, the complement: FANCA is on the minus strand). VCF-style: chr16-89783026-G-C. GRCh37 (hg19) VCF-style: chr16-89849434-G-C.
Other names: c.1547C>G, p.Thr516Arg (NM_001286167.3); short protein forms T516R.
Identifiers: ClinVar variation 2633226 (VCV002633226.1), dbSNP rs2544243442, ClinGen allele CA397458083.